The following is an entry in ClinVar:

ClinVar aggregate classification (germline): Likely benign (0 of 4 stars; one submission).

Conditions:
ARSK-related disorder. Also called: ARSK-related condition.

Allele frequency attached by ClinVar (database versions not stated): TOPMed 0.00055; gnomAD 0.00059; 1000 Genomes Project 0.00060; 1000 Genomes Project 30x 0.00062; ExAC 0.00067; ESP Exome Variant Server 0.00092; gnomAD exomes 0.00104.
gnomAD v4.1: 1,589 of 1,614,098 alleles (0.098%); highest among the groups gnomAD compares: South Asian, 0.17%; 4 homozygotes.

Submission:

PreventionGenetics, part of Exact Sciences
Classification: Likely benign for ARSK-related condition. Last evaluated: 2022-11-30. Review status: no assertion criteria provided. Collection method: clinical testing. Allele origin: germline.
Comment: This variant is classified as likely benign based on ACMG/AMP sequence variant interpretation guidelines (Richards et al. 2015 PMID: 25741868, with internal and published modifications).

NM_198150.3(ARSK):c.1010C>T (p.Pro337Leu)

Genes: ARSK (arylsulfatase family member K; plus strand), LOC126807455 (P300/CBP strongly-dependent group 1 enhancer GRCh37_chr5:94926949-94928148; plus strand). Cytogenetic location: 5q15.
Variant type: single nucleotide variant.
Coding change: c.1010C>T on transcript NM_198150.3 (MANE Select); coding-DNA position 1010, C replaced by T.
Protein change: p.Pro337Leu; replaces proline 337 with leucine.
Molecular consequence: missense variant.
Genome position (GRCh38, 1-based): chr5:95,591,539, C>T. VCF-style: chr5-95591539-C-T. GRCh37 (hg19) VCF-style: chr5-94927243-C-T.
Other names: short protein forms P337L.
Identifiers: ClinVar variation 3040142 (VCV003040142.2), dbSNP rs149766065, ClinGen allele CA3348023.